The following is an entry in ClinVar:

ClinVar aggregate classification (germline): Likely pathogenic (1 of 4 stars; one submission).

Conditions:
Hermansky-Pudlak syndrome (HPS). Also called: ALBINISM WITH HEMORRHAGIC DIATHESIS AND PIGMENTED RETICULOENDOTHELIAL CELLS. Identifiers: Orphanet 79430, MedGen C0079504, MONDO:0019312.

Submission:

Women's Health and Genetics/Laboratory Corporation of America, LabCorp
Classification: Likely pathogenic for Hermansky-Pudlak syndrome. Last evaluated: 2021-07-20. Review status: criteria provided, single submitter. Criteria: LabCorp Variant Classification Summary - May 2015. Collection method: clinical testing. Allele origin: germline.
Comment: Variant summary: HPS4 c.1713+1G>A is located in a canonical splice-site and is predicted to affect mRNA splicing resulting in a significantly altered protein due to either exon skipping, shortening, or inclusion of intronic material. Several computational tools predict a significant impact on normal splicing: Four predict the variant abolishes the canonical 5' splicing donor site. However, these predictions have yet to be confirmed by functional studies. The variant was absent in 250592 control chromosomes. To our knowledge, no occurrence of c.1713+1G>A in individuals affected with Hermansky-Pudlak Syndrome and no experimental evidence demonstrating its impact on protein function have been reported. No clinical diagnostic laboratories have submitted clinical-significance assessments for this variant to ClinVar after 2014. Based on the evidence outlined above, the variant was classified as likely pathogenic.

NM_022081.6(HPS4):c.1713+1G>A

Gene: HPS4 (HPS4 biogenesis of lysosomal organelles complex 3 subunit 2; minus strand). Cytogenetic location: 22q12.1.
Variant type: single nucleotide variant.
Coding change: c.1713+1G>A on transcript NM_022081.6 (MANE Select); the canonical splice donor site of the intron after coding-DNA position 1713, G replaced by A.
Molecular consequence: splice donor variant.
Genome position (GRCh38, 1-based): chr22:26,463,916, C>T on the plus strand (G>A on the coding strand, the complement: HPS4 is on the minus strand). VCF-style: chr22-26463916-C-T. GRCh37 (hg19) VCF-style: chr22-26859882-C-T.
Other names: c.1713+1G>A (NM_001349905.1, NM_001349904.2, NM_001349902.1 and 5 more transcripts); c.1767+1G>A (NM_001349901.1, NM_001349900.2); c.1698+1G>A (NM_152841.2).
Identifiers: ClinVar variation 1192274 (VCV001192274.1), dbSNP rs2146534178, ClinGen allele CA411025663.